The following is an entry in ClinVar:

NM_001206927.2(DNAH8):c.890A>T (p.Gln297Leu)

Gene: DNAH8 (dynein axonemal heavy chain 8; plus strand). Cytogenetic location: 6p21.2.
Variant type: single nucleotide variant.
Coding change: c.890A>T on transcript NM_001206927.2 (MANE Select); coding-DNA position 890, A replaced by T.
Protein change: p.Gln297Leu; replaces glutamine 297 with leucine.
Molecular consequence: missense variant.
Genome position (GRCh38, 1-based): chr6:38,737,194, A>T. VCF-style: chr6-38737194-A-T. GRCh37 (hg19) VCF-style: chr6-38704970-A-T.
Other names: c.890A>T (NM_001206927.1); c.239A>T, p.Gln80Leu (NM_001371.4); short protein forms Q297L, Q80L.
Identifiers: ClinVar variation 2072584 (VCV002072584.4), dbSNP rs768764670, ClinGen allele CA3788068.

ClinVar aggregate classification (germline): Uncertain significance. Review status: criteria provided, multiple submitters, no conflicts (2 of 4 stars). 2 submissions from 2 submitters: Uncertain significance (2). Last evaluated 2025-11-07.

Conditions:
Primary ciliary dyskinesia. Also called: Ciliary dyskinesia. Identifiers: Orphanet 244, MedGen C0008780, MONDO:0016575, HP:0012265.

Allele frequency attached by ClinVar (database versions not stated): gnomAD exomes below 0.00001; ExAC 0.00002; TOPMed 0.00003; gnomAD 0.00005.
gnomAD v4.1: 12 of 1,535,754 alleles (0.00078%); highest among the groups gnomAD compares: Admixed American, 0.015%; no homozygotes.

Submissions (2):

Ambry Genetics
Classification: Uncertain significance. Last evaluated: 2025-11-07. Review status: criteria provided, single submitter. Criteria: Ambry Variant Classification Scheme 2023. Collection method: clinical testing. Allele origin: germline.

Labcorp Genetics (formerly Invitae), Labcorp
Classification: Uncertain significance for Primary ciliary dyskinesia. Last evaluated: 2022-08-15. Review status: criteria provided, single submitter. Criteria: Invitae Variant Classification Sherloc (09022015). Collection method: clinical testing. Allele origin: germline.
Comment: In summary, the available evidence is currently insufficient to determine the role of this variant in disease. Therefore, it has been classified as a Variant of Uncertain Significance. Algorithms developed to predict the effect of missense changes on protein structure and function are either unavailable or do not agree on the potential impact of this missense change (SIFT: "Deleterious"; PolyPhen-2: "Not Available"; Align-GVGD: "Class C0"). This variant has not been reported in the literature in individuals affected with DNAH8-related conditions. This variant is present in population databases (rs768764670, gnomAD 0.005%). This sequence change replaces glutamine, which is neutral and polar, with leucine, which is neutral and non-polar, at codon 297 of the DNAH8 protein (p.Gln297Leu).